The following is an entry in ClinVar:

NM_130384.3(ATRIP):c.2298G>A (p.Thr766=)

Genes: ATRIP (ATR interacting protein; plus strand), ATRIP-TREX1 (ATRIP-TREX1 readthrough; plus strand). Cytogenetic location: 3p21.31.
Variant type: single nucleotide variant.
Coding change: c.2298G>A on transcript NM_130384.3 (MANE Select); coding-DNA position 2298, G replaced by A.
Protein change: p.Thr766=; no amino-acid change (threonine 766 retained).
Molecular consequence: synonymous variant. On other transcripts: non-coding transcript variant (1).
Genome position (GRCh38, 1-based): chr3:48,465,073, G>A. VCF-style: chr3-48465073-G-A. GRCh37 (hg19) VCF-style: chr3-48506472-G-A.
Other names: c.1917G>A, p.Thr639= (NM_001271022.2); c.2019G>A, p.Thr673= (NM_001271023.2); c.2217G>A, p.Thr739= (NM_032166.4).
Identifiers: ClinVar variation 4867179 (VCV004867179.1).

ClinVar aggregate classification (germline): Uncertain significance (1 of 4 stars; one submission).

gnomAD v4.1: 5 of 1,608,188 alleles (0.00031%); highest among the groups gnomAD compares: African/African-American, 0.0013%; no homozygotes.

Submission:

Ambry Genetics
Classification: Uncertain significance. Last evaluated: 2026-04-30. Review status: criteria provided, single submitter. Criteria: Ambry Variant Classification Scheme 2023. Collection method: clinical testing. Allele origin: germline.
Comment: The c.2298G>A variant (also known as p.T766T), located in coding exon 12 of the ATRIP gene, results from a G to A substitution at nucleotide position 2298. This nucleotide substitution does not change the threonine at codon 766. This nucleotide position is poorly conserved in available vertebrate species. In silico splice site analysis for this alteration is inconclusive. The evidence for this gene-disease relationship is limited; therefore, the clinical significance of this variant is unclear.